The following is an entry in ClinVar:

NM_001374736.1(DST):c.12350C>G (p.Thr4117Ser)

Genes: DST (dystonin; minus strand), LOC129996656 (ATAC-STARR-seq lymphoblastoid active region 24702; plus strand). Cytogenetic location: 6p12.1.
Variant type: single nucleotide variant.
Coding change: c.12350C>G on transcript NM_001374736.1 (MANE Select); coding-DNA position 12350, C replaced by G.
Protein change: p.Thr4117Ser; replaces threonine 4117 with serine.
Molecular consequence: missense variant.
Genome position (GRCh38, 1-based): chr6:56,594,039, G>C on the plus strand (C>G on the coding strand, the complement: DST is on the minus strand). VCF-style: chr6-56594039-G-C. GRCh37 (hg19) VCF-style: chr6-56458837-G-C.
Other names: c.5993C>G, p.Thr1998Ser (NM_001144769.5); c.5579C>G, p.Thr1860Ser (NM_001144770.2); c.12350C>G, p.Thr4117Ser (NM_001374722.1); c.11717C>G, p.Thr3906Ser (NM_001374729.1); c.5459C>G, p.Thr1820Ser (NM_001374730.1, NM_001386100.1, NM_183380.4); c.12377C>G, p.Thr4126Ser (NM_001374734.1); c.4481C>G, p.Thr1494Ser (NM_015548.5); short protein forms T1998S, T4117S, T4126S, T1494S, T1860S, T3906S, T1820S.
Identifiers: ClinVar variation 1909391 (VCV001909391.2), dbSNP rs767353719, ClinGen allele CA3868461.

ClinVar aggregate classification (germline): Uncertain significance (1 of 4 stars; one submission).

Conditions:
Hereditary sensory and autonomic neuropathy type 6. Also called: HSAN VI; Neuropathy, hereditary sensory and autonomic, type VI. Identifiers: Orphanet 314381, MedGen C3539003, MONDO:0013839, OMIM 614653.
Epidermolysis bullosa simplex 3, localized or generalized intermediate, with BP230 deficiency (EBS3). Also called: Epidermolysis bullosa simplex, autosomal recessive 2; Epidermolysis bullosa simplex due to BP230 deficiency. Identifiers: Orphanet 412181, MedGen C3809470, MONDO:0014180, OMIM 615425.

Allele frequency attached by ClinVar (database versions not stated): gnomAD exomes below 0.00001; ExAC 0.00001; gnomAD 0.00001.
gnomAD v4.1: 2 of 1,613,636 alleles (0.00012%); highest among the groups gnomAD compares: African/African-American, 0.0027%; no homozygotes.

Submission:

Labcorp Genetics (formerly Invitae), Labcorp
Classification: Uncertain significance for Epidermolysis bullosa simplex 3, localized or generalized intermediate, with BP230 deficiency; Hereditary sensory and autonomic neuropathy type 6. Last evaluated: 2022-04-05. Review status: criteria provided, single submitter. Criteria: Invitae Variant Classification Sherloc (09022015). Collection method: clinical testing. Allele origin: germline.
Comment: The DST gene has multiple clinically relevant transcripts. This variant occurs in alternate transcript NM_015548.4, and corresponds to NM_001723.5:c.*21478C>G in the primary transcript. This sequence change replaces threonine, which is neutral and polar, with serine, which is neutral and polar, at codon 1494 of the DST protein (p.Thr1494Ser). This variant is present in population databases (rs767353719, gnomAD 0.007%). This variant has not been reported in the literature in individuals affected with DST-related conditions. Experimental studies and prediction algorithms are not available or were not evaluated, and the functional significance of this variant is currently unknown. In summary, the available evidence is currently insufficient to determine the role of this variant in disease. Therefore, it has been classified as a Variant of Uncertain Significance.